The following is an entry in ClinVar:

NM_004656.4(BAP1):c.1224C>G (p.Asp408Glu)

Gene: BAP1 (BRCA1 associated deubiquitinase 1; minus strand). Cytogenetic location: 3p21.1.
Variant type: single nucleotide variant.
Coding change: c.1224C>G on transcript NM_004656.4 (MANE Select); coding-DNA position 1224, C replaced by G.
Protein change: p.Asp408Glu; replaces aspartic acid 408 with glutamic acid.
Molecular consequence: missense variant.
Genome position (GRCh38, 1-based): chr3:52,404,479, G>C on the plus strand (C>G on the coding strand, the complement: BAP1 is on the minus strand). VCF-style: chr3-52404479-G-C. GRCh37 (hg19) VCF-style: chr3-52438495-G-C.
Other names: short protein forms D408E.
Identifiers: ClinVar variation 818636 (VCV000818636.9), dbSNP rs755110121, ClinGen allele CA353102848.

ClinVar aggregate classification (germline): Conflicting classifications of pathogenicity. Review status: criteria provided, conflicting classifications (1 of 4 stars). 2 submissions from 2 submitters: Uncertain significance (1); Benign (1). Last evaluated 2026-02-18.

Conditions:
BAP1-related tumor predisposition syndrome (TPDS1). Also called: COMMON Syndrome; Tumor susceptibility linked to germline BAP1 mutations; TUMOR PREDISPOSITION SYNDROME 1; BAP1 tumor predisposition syndrome. Identifiers: Orphanet 289539, MedGen C3280492, MONDO:0013692, OMIM 614327.
Hereditary cancer-predisposing syndrome. Also called: Tumor predisposition; Neoplastic Syndromes, Hereditary; Hereditary Cancer Syndrome; Hereditary neoplastic syndrome. Identifiers: Orphanet 140162, MedGen C0027672, MeSH D009386, MONDO:0015356.

Submissions (2):

Ambry Genetics
Classification: Benign for Hereditary cancer-predisposing syndrome. Last evaluated: 2026-02-18. Review status: criteria provided, single submitter. Criteria: Ambry Variant Classification Scheme 2023. Collection method: clinical testing. Allele origin: germline.

Labcorp Genetics (formerly Invitae), Labcorp
Classification: Uncertain significance for BAP1-related tumor predisposition syndrome. Last evaluated: 2023-06-14. Review status: criteria provided, single submitter. Criteria: Invitae Variant Classification Sherloc (09022015). Collection method: clinical testing. Allele origin: germline.
Comment: This variant has not been reported in the literature in individuals affected with BAP1-related conditions. This variant is not present in population databases (gnomAD no frequency). This sequence change replaces aspartic acid, which is acidic and polar, with glutamic acid, which is acidic and polar, at codon 408 of the BAP1 protein (p.Asp408Glu). ClinVar contains an entry for this variant (Variation ID: 818636). In summary, the available evidence is currently insufficient to determine the role of this variant in disease. Therefore, it has been classified as a Variant of Uncertain Significance. Algorithms developed to predict the effect of sequence changes on RNA splicing suggest that this variant may create or strengthen a splice site. Advanced modeling of protein sequence and biophysical properties (such as structural, functional, and spatial information, amino acid conservation, physicochemical variation, residue mobility, and thermodynamic stability) performed at Invitae indicates that this missense variant is not expected to disrupt BAP1 protein function.

Literature cited by the submitters: PubMed 38969833 (cited by Ambry Genetics).